The following is an entry in ClinVar:

NM_001278064.2(GRM1):c.2539C>T (p.Arg847Cys)

Gene: GRM1 (glutamate metabotropic receptor 1; plus strand). Cytogenetic location: 6q24.3.
Variant type: single nucleotide variant.
Coding change: c.2539C>T on transcript NM_001278064.2 (MANE Select); coding-DNA position 2539, C replaced by T.
Protein change: p.Arg847Cys; replaces arginine 847 with cysteine.
Molecular consequence: missense variant.
Genome position (GRCh38, 1-based): chr6:146,399,578, C>T. VCF-style: chr6-146399578-C-T. GRCh37 (hg19) VCF-style: chr6-146720714-C-T.
Other names: c.2539C>T, p.Arg847Cys (NM_001278065.2, NM_001278066.1, NM_001278067.1); short protein forms R847C.
Identifiers: ClinVar variation 3343432 (VCV003343432.1).
Genomic context (GRCh38, chr6:146,399,578, plus strand): 5'-CTGGGGTGCATGTTCACTCCCAAGATGTACATCATTATTGCCAAGCCTGAGAGGAATGTC[C>T]GCAGTGCCTTCACCACCTCTGATGTTGTCCGCATGCATGTTGGCGATGGCAAGCTGCCCT-3'
Protein context (NP_001264993.1, residues 837-857): IIIAKPERNV[Arg847Cys]SAFTTSDVVR

ClinVar aggregate classification (germline): Uncertain significance (1 of 4 stars; one submission).

gnomAD v4.1: 4 of 1,613,904 alleles (0.00025%); highest among the groups gnomAD compares: African/African-American, 0.0013%; no homozygotes.

Submission:

GeneDx
Classification: Uncertain significance. Last evaluated: 2023-05-14. Review status: criteria provided, single submitter. Criteria: GeneDx Variant Classification Process June 2021. Collection method: clinical testing. Allele origin: germline. Affected: yes.
Comment: Not observed at significant frequency in large population cohorts (gnomAD); In silico analysis supports that this missense variant has a deleterious effect on protein structure/function; Has not been previously published as pathogenic or benign to our knowledge